The following is an entry in ClinVar:

NM_001184880.2(PCDH19):c.1120T>A (p.Ser374Thr)

Gene: PCDH19 (protocadherin 19; minus strand). Cytogenetic location: Xq22.1.
Variant type: single nucleotide variant.
Coding change: c.1120T>A on transcript NM_001184880.2 (MANE Select); coding-DNA position 1120, T replaced by A.
Protein change: p.Ser374Thr; replaces serine 374 with threonine.
Molecular consequence: missense variant.
Genome position (GRCh38, 1-based): chrX:100,407,478, A>T on the plus strand (T>A on the coding strand, the complement: PCDH19 is on the minus strand). VCF-style: chrX-100407478-A-T. GRCh37 (hg19) VCF-style: chrX-99662476-A-T.
Other names: c.1120T>A, p.Ser374Thr (NM_001105243.2, NM_020766.3); short protein forms S374T.
Identifiers: ClinVar variation 1440402 (VCV001440402.6), dbSNP rs1928407939, ClinGen allele CA414004129.

ClinVar aggregate classification (germline): Uncertain significance (1 of 4 stars; one submission).

Conditions:
Developmental and epileptic encephalopathy, 9 (DEE9). Also called: PCDH19-Related X-Linked Female-Limited Epilepsy with Mental Retardation; EPILEPSY, FEMALE-RESTRICTED, WITH MENTAL RETARDATION; Early infantile epileptic encephalopathy 9; JUBERG-HELLMAN SYNDROME. Identifiers: Orphanet 101039, Orphanet 2076, MedGen C1848137, MONDO:0010246, OMIM 300088. Disease mechanism: loss of function.

Submission:

Labcorp Genetics (formerly Invitae), Labcorp
Classification: Uncertain significance for Developmental and epileptic encephalopathy, 9. Last evaluated: 2022-02-09. Review status: criteria provided, single submitter. Criteria: Invitae Variant Classification Sherloc (09022015). Collection method: clinical testing. Allele origin: germline.
Comment: This variant has not been reported in the literature in individuals affected with PCDH19-related conditions. This variant is not present in population databases (gnomAD no frequency). This sequence change replaces serine, which is neutral and polar, with threonine, which is neutral and polar, at codon 374 of the PCDH19 protein (p.Ser374Thr). Algorithms developed to predict the effect of missense changes on protein structure and function are either unavailable or do not agree on the potential impact of this missense change (SIFT: "Deleterious"; PolyPhen-2: "Benign"; Align-GVGD: "Class C55"). In summary, the available evidence is currently insufficient to determine the role of this variant in disease. Therefore, it has been classified as a Variant of Uncertain Significance. This variant disrupts the p.Ser374 amino acid residue in PCDH19. Other variant(s) that disrupt this residue have been determined to be pathogenic (Invitae). This suggests that this residue is clinically significant, and that variants that disrupt this residue are likely to be disease-causing.